The following is an entry in ClinVar:

ClinVar aggregate classification (germline): Benign (1 of 4 stars; one submission).

Allele frequency attached by ClinVar (database versions not stated): 1000 Genomes Project 0.30252; 1000 Genomes Project 30x 0.30981; TOPMed 0.37186; gnomAD 0.37346 and 0.37794.

Submission:

GeneDx
Classification: Benign. Last evaluated: 2018-06-18. Review status: criteria provided, single submitter. Criteria: GeneDx Variant Classification (06012015). Collection method: clinical testing. Allele origin: germline. Affected: yes.
Comment: This variant is considered likely benign or benign based on one or more of the following criteria: it is a conservative change, it occurs at a poorly conserved position in the protein, it is predicted to be benign by multiple in silico algorithms, and/or has population frequency not consistent with disease.

NM_001018116.2(CAVIN4):c.408+248A>G

Gene: CAVIN4 (caveolae associated protein 4; plus strand). Cytogenetic location: 9q31.1.
Variant type: single nucleotide variant.
Coding change: c.408+248A>G on transcript NM_001018116.2 (MANE Select); 248 bases into the intron after coding-DNA position 408, A replaced by G.
Molecular consequence: intron variant.
Genome position (GRCh38, 1-based): chr9:100,578,799, A>G. VCF-style: chr9-100578799-A-G. GRCh37 (hg19) VCF-style: chr9-103341081-A-G.
Identifiers: ClinVar variation 678522 (VCV000678522.1), dbSNP rs1226587, ClinGen allele CA13107581.